The following is an entry in ClinVar:

ClinVar aggregate classification (germline): Uncertain significance (1 of 4 stars; one submission).

Conditions:
Hypertrophic cardiomyopathy. Also called: HYPERTROPHIC MYOCARDIOPATHY. Identifiers: Orphanet 217569, MedGen C0007194, MeSH D002312, MONDO:0005045, HP:0001639.

Submission:

Labcorp Genetics (formerly Invitae), Labcorp
Classification: Uncertain significance for Hypertrophic cardiomyopathy. Last evaluated: 2023-12-11. Review status: criteria provided, single submitter. Criteria: Invitae Variant Classification Sherloc (09022015). Collection method: clinical testing. Allele origin: germline.
Comment: This variant results in a copy number gain of the genomic region encompassing exon(s) 6-8 of the TNNI3 gene. This region includes the termination codon of the gene. This copy number gain extends beyond the assayed region for this gene and therefore may encompass additional genes. As the precise location of this event is unknown, it may be in tandem or it may be located elsewhere in the genome. This variant has not been reported in the literature in individuals affected with TNNI3-related conditions. Experimental studies and prediction algorithms are not available or were not evaluated, and the functional significance of this variant is currently unknown. In summary, the available evidence is currently insufficient to determine the role of this variant in disease. Therefore, it has been classified as a Variant of Uncertain Significance.

NC_000019.9:g.(?_55663202)_(55666218_?)dup

Gene: TNNI3 (troponin I3, cardiac type; minus strand). Cytogenetic location: 19q13.42.
Variant type: Duplication.
Identifiers: ClinVar variation 1524599 (VCV001524599.5).